The following is an entry in ClinVar:

ClinVar aggregate classification (germline): Pathogenic (1 of 4 stars; one submission).

Submission:

Labcorp Genetics (formerly Invitae), Labcorp
Classification: Pathogenic. Last evaluated: 2023-07-20. Review status: criteria provided, single submitter. Criteria: Invitae Variant Classification Sherloc (09022015). Collection method: clinical testing. Allele origin: unknown.
Comment: For these reasons, this variant has been classified as Pathogenic. This variant has not been reported in the literature in individuals affected with ZNF469-related conditions. This variant results in the deletion of exon 1 and part of exon 2 (c.-46413_9321delins106) of the ZNF469 gene. It is expected to result in an absent or disrupted protein product. Loss-of-function variants in ZNF469 are known to be pathogenic (PMID: 23642083, 23680354).

Literature cited by the submitters: PubMed 23642083; PubMed 23680354.

NC_000016.9:g.(?_88447466)_(88503283_?)del

Gene: ZNF469 (zinc finger protein 469; plus strand). Cytogenetic location: 16q24.2.
Variant type: Deletion.
Identifiers: ClinVar variation 3243613 (VCV003243613.1).